The following is an entry in ClinVar:

ClinVar aggregate classification (germline): Likely benign. Review status: criteria provided, multiple submitters, no conflicts (2 of 4 stars). 2 submissions from 2 submitters: Likely benign (2). Last evaluated 2026-02-03.

Conditions:
Peroxisome biogenesis disorder 2B (PBD2B). Identifiers: Orphanet 44, MedGen C3550234, MONDO:0008736, OMIM 202370.
PEX5-related disorder. Also called: PEX5-Related Disorders; PEX5-related condition.

Allele frequency attached by ClinVar (database versions not stated): gnomAD exomes below 0.00001.
gnomAD v4.1: 2 of 1,613,762 alleles (0.00012%); highest among the groups gnomAD compares: Non-Finnish European, 0.00017%; no homozygotes.

Submissions (2):

PreventionGenetics, part of Exact Sciences
Classification: Likely benign for PEX5-related condition. Last evaluated: 2026-02-03. Review status: criteria provided, single submitter. Criteria: ACMG Guidelines, 2015. Collection method: clinical testing. Allele origin: germline.
Comment: This variant is classified as likely benign based on ACMG/AMP sequence variant interpretation guidelines (Richards et al. 2015 PMID: 25741868, with internal and published modifications).

Labcorp Genetics (formerly Invitae), Labcorp
Classification: Likely benign for Peroxisome biogenesis disorder 2B. Last evaluated: 2024-01-26. Review status: criteria provided, single submitter. Criteria: Invitae Variant Classification Sherloc (09022015). Collection method: clinical testing. Allele origin: germline.

NM_001351132.2(PEX5):c.573G>A (p.Glu191=)

Gene: PEX5 (peroxisomal biogenesis factor 5; plus strand). Cytogenetic location: 12p13.31.
Variant type: single nucleotide variant.
Coding change: c.573G>A on transcript NM_001351132.2 (MANE Select); coding-DNA position 573, G replaced by A.
Protein change: p.Glu191=; no amino-acid change (glutamic acid 191 retained).
Molecular consequence: synonymous variant.
Genome position (GRCh38, 1-based): chr12:7,201,772, G>A. VCF-style: chr12-7201772-G-A. GRCh37 (hg19) VCF-style: chr12-7354368-G-A.
Other names: c.573G>A (NM_001131025.1); c.573G>A, p.Glu191= (NM_000319.5, NM_001131024.2, NM_001131025.2 and 19 more transcripts); c.618G>A, p.Glu206= (NM_001131023.2, NM_001351135.3, NM_001351138.2).
Identifiers: ClinVar variation 2852232 (VCV002852232.4), dbSNP rs2540127094, ClinGen allele CA478185884.